The following is an entry in ClinVar:

NM_000048.4(ASL):c.772G>A (p.Glu258Lys)

Gene: ASL (argininosuccinate lyase; plus strand). Cytogenetic location: 7q11.21.
Variant type: single nucleotide variant.
Coding change: c.772G>A on transcript NM_000048.4 (MANE Select); coding-DNA position 772, G replaced by A.
Protein change: p.Glu258Lys; replaces glutamic acid 258 with lysine.
Molecular consequence: missense variant.
Genome position (GRCh38, 1-based): chr7:66,088,860, G>A. VCF-style: chr7-66088860-G-A. GRCh37 (hg19) VCF-style: chr7-65553847-G-A.
Other names: c.772G>A, p.Glu258Lys (NM_001024943.2, NM_001024944.2); c.694G>A, p.Glu232Lys (NM_001024946.2); short protein forms E258K, E232K.
Identifiers: ClinVar variation 554621 (VCV000554621.8), dbSNP rs909358635, ClinGen allele CA159933546.
Genomic context (GRCh38, chr7:66,088,860, plus strand): 5'-CTCCCAGCCGAGTTCCTGTTCTGGGCTTCGCTGTGCATGACCCATCTCAGCAGGATGGCC[G>A]AGGACCTCATCCTCTACTGCACCAAGGAATTCAGCTTCGTGCAGCTCTCAGATGCCTACA-3'
Protein context (NP_000039.2, residues 248-268): LCMTHLSRMA[Glu258Lys]DLILYCTKEF

ClinVar aggregate classification (germline): Conflicting classifications of pathogenicity. Review status: criteria provided, conflicting classifications (1 of 4 stars). 3 submissions from 3 submitters: Likely pathogenic (1); Uncertain significance (1). 1 of the submissions does not count toward it. Last evaluated 2023-05-11.

Conditions:
Argininosuccinate lyase deficiency. Also called: ARGININOSUCCINIC ACID LYASE DEFICIENCY; ASL DEFICIENCY; Argininosuccinic aciduria. Identifiers: Orphanet 23, MedGen C0268547, MONDO:0008815, OMIM 207900, HP:0025630.

Allele frequency attached by ClinVar (database versions not stated): gnomAD 0.00001.
gnomAD v4.1: 9 of 1,613,910 alleles (0.00056%); highest among the groups gnomAD compares: African/African-American, 0.0013%; no homozygotes.

Submissions (3):

Labcorp Genetics (formerly Invitae), Labcorp
Classification: Likely pathogenic for Argininosuccinate lyase deficiency. Last evaluated: 2023-05-11. Review status: criteria provided, single submitter. Criteria: Invitae Variant Classification Sherloc (09022015). Collection method: clinical testing. Allele origin: germline.
Comment: In summary, the currently available evidence indicates that the variant is pathogenic, but additional data are needed to prove that conclusively. Therefore, this variant has been classified as Likely Pathogenic. Advanced modeling of protein sequence and biophysical properties (such as structural, functional, and spatial information, amino acid conservation, physicochemical variation, residue mobility, and thermodynamic stability) performed at Invitae indicates that this missense variant is expected to disrupt ASL protein function. ClinVar contains an entry for this variant (Variation ID: 554621). This missense change has been observed in individual(s) with argininosuccinate lyase deficiency (PMID: 28251416). This variant is not present in population databases (gnomAD no frequency). This sequence change replaces glutamic acid, which is acidic and polar, with lysine, which is basic and polar, at codon 258 of the ASL protein (p.Glu258Lys).

Fulgent Genetics
Classification: Uncertain significance for Argininosuccinate lyase deficiency. Last evaluated: 2021-09-28. Review status: criteria provided, single submitter. Criteria: ACMG Guidelines, 2015. Collection method: clinical testing. Allele origin: unknown.

Counsyl
Classification: Uncertain significance for Argininosuccinate lyase deficiency. Last evaluated: 2017-10-27. Review status: no assertion criteria provided. Collection method: clinical testing. Allele origin: unknown. Not counted in ClinVar's aggregate classification.

Literature cited by the submitters: PubMed 28251416 (cited by Labcorp Genetics (formerly Invitae), Labcorp and Counsyl).